The following is an entry in ClinVar:

NM_022437.3(ABCG8):c.378G>C (p.Lys126Asn)

Gene: ABCG8 (ATP binding cassette subfamily G member 8; plus strand). Cytogenetic location: 2p21.
Variant type: single nucleotide variant.
Coding change: c.378G>C on transcript NM_022437.3 (MANE Select); coding-DNA position 378, G replaced by C.
Protein change: p.Lys126Asn; replaces lysine 126 with asparagine.
Molecular consequence: missense variant.
Genome position (GRCh38, 1-based): chr2:43,851,639, G>C. VCF-style: chr2-43851639-G-C. GRCh37 (hg19) VCF-style: chr2-44078778-G-C.
Other names: c.378G>C, p.Lys126Asn (NM_001357321.2); short protein forms K126N.
Identifiers: ClinVar variation 3227788 (VCV003227788.1), dbSNP rs1470752946, ClinGen allele CA346665245.

ClinVar aggregate classification (germline): Uncertain significance (1 of 4 stars; one submission).

Conditions:
Cardiovascular phenotype. Identifiers: MedGen CN230736.

Allele frequency attached by ClinVar (database versions not stated): TOPMed 0.00001.
gnomAD v4.1: 2 of 1,614,242 alleles (0.00012%); highest among the groups gnomAD compares: African/African-American, 0.0013%; no homozygotes.

Submission:

Ambry Genetics
Classification: Uncertain significance for Cardiovascular phenotype. Last evaluated: 2024-02-01. Review status: criteria provided, single submitter. Criteria: Ambry Variant Classification Scheme 2023. Collection method: clinical testing. Allele origin: germline.
Comment: The p.K126N variant (also known as c.378G>C), located in coding exon 4 of the ABCG8 gene, results from a G to C substitution at nucleotide position 378. The lysine at codon 126 is replaced by asparagine, an amino acid with similar properties. This amino acid position is conserved. In addition, this alteration is predicted to be tolerated by in silico analysis. Based on the available evidence, the clinical significance of this alteration remains unclear.